The following is an entry in ClinVar:

NM_020975.6(RET):c.2846G>T (p.Gly949Val)

Gene: RET (ret proto-oncogene; plus strand). Cytogenetic location: 10q11.21.
Variant type: single nucleotide variant.
Coding change: c.2846G>T on transcript NM_020975.6 (MANE Select); coding-DNA position 2846, G replaced by T.
Protein change: p.Gly949Val; replaces glycine 949 with valine.
Molecular consequence: missense variant.
Genome position (GRCh38, 1-based): chr10:43,123,715, G>T. VCF-style: chr10-43123715-G-T. GRCh37 (hg19) VCF-style: chr10-43619163-G-T.
Other names: c.2558G>T, p.Gly853Val (NM_001406767.1, NM_001406770.1, NM_001406766.1); c.2582G>T, p.Gly861Val (NM_001406768.1); c.2450G>T, p.Gly817Val (NM_001406769.1, NM_001406772.1); c.2408G>T, p.Gly803Val (NM_001406771.1, NM_001406773.1); c.2321G>T, p.Gly774Val (NM_001406774.1); c.2120G>T, p.Gly707Val (NM_001406775.1, NM_001406776.1, NM_001406777.1 and 1 more transcripts); c.1820G>T, p.Gly607Val (NM_001406786.1, NM_001406783.1); c.1814G>T, p.Gly605Val (NM_001406787.1); and 10 more; short protein forms G466V, G514V, G554V, G605V, G607V, G610V, G619V, G650V.
Identifiers: ClinVar variation 1720423 (VCV001720423.5), dbSNP rs2133004812, ClinGen allele CA376557806.
Genomic context (GRCh38, chr10:43,123,715, plus strand): 5'-CTTTCACTCTCTGCAGATGGTCTTTTGGTGTCCTGCTGTGGGAGATCGTGACCCTAGGGG[G>T]AAACCCCTATCCTGGGATTCCTCCTGAGCGGCTCTTCAACCTTCTGAAGACCGGCCACCG-3'
Protein context (NP_066124.1, residues 939-959): VLLWEIVTLG[Gly949Val]NPYPGIPPER

ClinVar aggregate classification (germline): Uncertain significance (1 of 4 stars; one submission).

Conditions:
Multiple endocrine neoplasia, type 2 (MEN2). Identifiers: Orphanet 653, MedGen C4048306, MONDO:0019003. Disease mechanism: gain of function.

Submission:

Labcorp Genetics (formerly Invitae), Labcorp
Classification: Uncertain significance for Multiple endocrine neoplasia, type 2. Last evaluated: 2022-12-23. Review status: criteria provided, single submitter. Criteria: Invitae Variant Classification Sherloc (09022015). Collection method: clinical testing. Allele origin: germline.
Comment: In summary, the available evidence is currently insufficient to determine the role of this variant in disease. Therefore, it has been classified as a Variant of Uncertain Significance. Algorithms developed to predict the effect of missense changes on protein structure and function are either unavailable or do not agree on the potential impact of this missense change (SIFT: "Deleterious"; PolyPhen-2: "Probably Damaging"; Align-GVGD: "Class C0"). ClinVar contains an entry for this variant (Variation ID: 1720423). This variant has not been reported in the literature in individuals affected with RET-related conditions. This variant is not present in population databases (gnomAD no frequency). This sequence change replaces glycine, which is neutral and non-polar, with valine, which is neutral and non-polar, at codon 949 of the RET protein (p.Gly949Val).